The following is an entry in ClinVar:

NM_001082486.2(ACD):c.1294G>T (p.Val432Phe)

Gene: ACD (ACD shelterin complex subunit and telomerase recruitment factor; minus strand). Cytogenetic location: 16q22.1.
Variant type: single nucleotide variant.
Coding change: c.1294G>T on transcript NM_001082486.2 (MANE Select); coding-DNA position 1294, G replaced by T.
Protein change: p.Val432Phe; replaces valine 432 with phenylalanine.
Molecular consequence: missense variant.
Genome position (GRCh38, 1-based): chr16:67,657,766, C>A on the plus strand (G>T on the coding strand, the complement: ACD is on the minus strand). VCF-style: chr16-67657766-C-A. GRCh37 (hg19) VCF-style: chr16-67691669-C-A.
Other names: c.1207G>T, p.Val403Phe (NM_001410884.1); c.1285G>T, p.Val429Phe (NM_022914.3); short protein forms V403F, V429F, V432F.
Identifiers: ClinVar variation 3232648 (VCV003232648.1), dbSNP rs2543596580, ClinGen allele CA396349786.

ClinVar aggregate classification (germline): Uncertain significance (1 of 4 stars; one submission).

Conditions:
Inborn genetic diseases. Identifiers: MedGen C0950123, MeSH D030342.

Submission:

Ambry Genetics
Classification: Uncertain significance for Inborn genetic diseases. Last evaluated: 2024-03-01. Review status: criteria provided, single submitter. Criteria: Ambry Variant Classification Scheme 2023. Collection method: clinical testing. Allele origin: germline.
Comment: The p.V518F variant (also known as c.1552G>T), located in coding exon 11 of the ACD gene, results from a G to T substitution at nucleotide position 1552. The valine at codon 518 is replaced by phenylalanine, an amino acid with highly similar properties. This amino acid position is conserved. In addition, this alteration is predicted to be tolerated by in silico analysis. Based on the available evidence, the clinical significance of this alteration remains unclear.